The following is an entry in ClinVar:

NM_000138.5(FBN1):c.2629_2645dup (p.Trp883fs)

Gene: FBN1 (fibrillin 1; minus strand). Cytogenetic location: 15q21.1.
Variant type: Duplication.
Coding change: c.2629_2645dup on transcript NM_000138.5 (MANE Select); coding-DNA positions 2629 to 2645, 17 bases duplicated (TCCTCCCTCGGTGCTGC).
Protein change: p.Trp883fs; shifts the reading frame from tryptophan 883.
Molecular consequence: frameshift variant.
Genome position (GRCh38, 1-based): chr15:48,495,155-48,495,171, GCAGCACCGAGGGAGGA duplicated on the plus strand (TCCTCCCTCGGTGCTGC on the coding strand, the reverse complement: FBN1 is on the minus strand); duplicating any 17 consecutive bases within chr15:48,495,155-48,495,178 gives the same sequence; the c. name uses the placement nearest the transcript's 3' end. VCF-style (leftmost placement, unchanged base first): chr15-48495154-C-CGCAGCACCGAGGGAGGA. GRCh37 (hg19) VCF-style: chr15-48787351-C-CGCAGCACCGAGGGAGGA.
Other names: c.2629_2645dup (NM_000138.4); c.2622_2638dup, p.Trp883Profs (NM_001406716.1); short protein forms W883fs.
Identifiers: ClinVar variation 1805537 (VCV001805537.2), dbSNP rs2505570787, ClinGen allele CA923726179.

ClinVar aggregate classification (germline): Pathogenic (1 of 4 stars; one submission).

Conditions:
Marfan syndrome (MFS). Also called: Marfan's syndrome; Marfan syndrome, classic; MARFAN SYNDROME, TYPE I; Marfan syndrome type 1; FBN1-Related Marfan Syndrome. Identifiers: Orphanet 284963, Orphanet 558, MedGen C0024796, MONDO:0007947, OMIM 154700.

Submission:

Victorian Clinical Genetics Services, Murdoch Childrens Research Institute
Classification: Pathogenic for Marfan syndrome. Last evaluated: 2021-05-06. Review status: criteria provided, single submitter. Criteria: ACMG Guidelines, 2015. Collection method: clinical testing. Allele origin: germline. Inheritance: Autosomal dominant inheritance.
Comment: Based on the classification scheme VCGS_Germline_v1.3.4, this variant is classified as Pathogenic. Following criteria are met: 0103 - Dominant negative and loss of function are known mechanisms of disease in this gene and are associated with FBN1-related disease. Variants predicted to result in nonsense mediated decay cause loss of function effects, and are more commonly associated with severe Marfan syndrome (MIM#154700). Missense variants with both dominant negative and loss of function effects on protein function, are also associated with causing Marfan syndrome and ectopia lentis (MIM#129600) (OMIM, PMID: 29357934). The exact genotype-phenotype correlation for this gene is still unclear and is compounded by variable expressivity (GeneReviews: PMID: 20301510). (I) 0107 - This gene is associated with autosomal dominant disease. This gene is predominantly associated with autosomal dominant disease, however some individuals have been reported with an autosomal recessive form of Marfan syndrome (OMIM). (I) 0115 - Variants in this gene are known to have variable expressivity. The genotype-phenotype correlations for this gene are unclear, with single variants reported in patients with a range of phenotypes (GeneReviews: PMID: 20301510, OMIM). (I) 0201 - Variant is predicted to cause nonsense-mediated decay (NMD) and loss of protein (premature termination codon is located at least 54 nucleotides upstream of the final exon-exon junction). (SP) 0251 - This variant is heterozygous. (I) 0301 - Variant is absent from gnomAD (both v2 and v3). (SP) 0701 - Other NMD predicted variants comparable to the one identified in this case have very strong previous evidence for pathogenicity. Multiple variants predicted to cause NMD have been reported in ClinVar as pathogenic in individuals with Marfan syndrome. (SP) 0807 - This variant has no previous evidence of pathogenicity. (I) 0905 - No published segregation evidence has been identified for this variant. (I) 1007 - No published functional evidence has been identified for this variant. (SP) Legend: (SP) - Supporting pathogenic, (I) - Information, (SB) - Supporting benign

Literature cited by the submitters: NCBI Bookshelf NBK1335; PubMed 20301510; PubMed 29357934.